The following is an entry in ClinVar:

NM_002439.5(MSH3):c.1877G>A (p.Cys626Tyr)

Gene: MSH3 (mutS homolog 3; plus strand). Cytogenetic location: 5q14.1.
Variant type: single nucleotide variant.
Coding change: c.1877G>A on transcript NM_002439.5 (MANE Select); coding-DNA position 1877, G replaced by A.
Protein change: p.Cys626Tyr; replaces cysteine 626 with tyrosine.
Molecular consequence: missense variant.
Genome position (GRCh38, 1-based): chr5:80,761,659, G>A. VCF-style: chr5-80761659-G-A. GRCh37 (hg19) VCF-style: chr5-80057478-G-A.
Other names: short protein forms C626Y.
Identifiers: ClinVar variation 651992 (VCV000651992.20), dbSNP rs780102728, ClinGen allele CA3328069.

ClinVar aggregate classification (germline): Uncertain significance. Review status: criteria provided, multiple submitters, no conflicts (2 of 4 stars). 7 submissions from 7 submitters: Uncertain significance (7). Last evaluated 2025-12-13.

Conditions:
Hereditary cancer-predisposing syndrome. Also called: Neoplastic Syndromes, Hereditary; Tumor predisposition; Hereditary Cancer Syndrome; Hereditary neoplastic syndrome. Identifiers: Orphanet 140162, MedGen C0027672, MeSH D009386, MONDO:0015356.
Endometrial carcinoma. Also called: Endometrial carcinoma, somatic. Identifiers: MedGen C0476089, MONDO:0002447, OMIM 608089, HP:0012114.

Allele frequency attached by ClinVar (database versions not stated): gnomAD 0.00001; gnomAD exomes 0.00001 and 0.00004; ExAC 0.00002; TOPMed 0.00002.
gnomAD v4.1: 15 of 1,613,996 alleles (0.00093%); highest among the groups gnomAD compares: Admixed American, 0.022%; no homozygotes.

Submissions (7):

Labcorp Genetics (formerly Invitae), Labcorp
Classification: Uncertain significance. Last evaluated: 2025-12-13. Review status: criteria provided, single submitter. Criteria: Invitae Variant Classification Sherloc (09022015). Collection method: clinical testing. Allele origin: germline.
Comment: This sequence change replaces cysteine, which is neutral and slightly polar, with tyrosine, which is neutral and polar, at codon 626 of the MSH3 protein (p.Cys626Tyr). This variant is present in population databases (rs780102728, gnomAD 0.03%). This variant has not been reported in the literature in individuals affected with MSH3-related conditions. ClinVar contains an entry for this variant (Variation ID: 651992). An algorithm developed to predict the effect of missense changes on protein structure and function (PolyPhen-2) suggests that this variant is likely to be disruptive. In summary, the available evidence is currently insufficient to determine the role of this variant in disease. Therefore, it has been classified as a Variant of Uncertain Significance.

Center for Genomic Medicine, Rigshospitalet, Copenhagen University Hospital
Classification: Uncertain significance. Last evaluated: 2025-03-04. Review status: criteria provided, single submitter. Criteria: ACMG Guidelines, 2015. Collection method: clinical testing. Allele origin: germline.

Ambry Genetics
Classification: Uncertain significance for Hereditary cancer-predisposing syndrome. Last evaluated: 2025-01-20. Review status: criteria provided, single submitter. Criteria: Ambry Variant Classification Scheme 2023. Collection method: clinical testing. Allele origin: germline.

Quest Diagnostics Nichols Institute San Juan Capistrano
Classification: Uncertain significance. Last evaluated: 2024-12-05. Review status: criteria provided, single submitter. Criteria: Quest Diagnostics criteria. Collection method: clinical testing. Allele origin: unknown.
Comment: The MSH3 c.1877G>A (p.Cys626Tyr) variant has not been reported in individuals with MSH3-related conditions in the published literature. The frequency of this variant in the general population (Genome Aggregation Database) is uninformative in the assessment of its pathogenicity. Analysis of this variant using bioinformatics tools for the prediction of the effect of amino acid changes on protein structure and function yielded predictions that this variant is damaging. Based on the available information, we are unable to determine the clinical significance of this variant.

GeneDx
Classification: Uncertain significance. Last evaluated: 2024-11-05. Review status: criteria provided, single submitter. Criteria: GeneDx Variant Classification Process June 2021. Collection method: clinical testing. Allele origin: germline. Affected: yes.
Comment: In silico analysis supports that this missense variant has a deleterious effect on protein structure/function; Has not been previously published as pathogenic or benign to our knowledge

Baylor Genetics
Classification: Uncertain significance for Endometrial carcinoma. Last evaluated: 2024-02-16. Review status: criteria provided, single submitter. Criteria: ACMG Guidelines, 2015. Collection method: clinical testing. Allele origin: unknown.

Sema4
Classification: Uncertain significance for Hereditary cancer-predisposing syndrome. Last evaluated: 2021-09-25. Review status: criteria provided, single submitter. Criteria: Sema4 Curation Guidelines. Collection method: curation. Allele origin: germline.
Comment: The MSH3 c.1877G>A (p.C626Y) variant has not been reported in the literature to our knowledge. It was observed in 10/35432 chromosomes of the Latino subpopulation, with no homozygotes, in the large and broad cohorts of the Genome Aggregation Database (PMID: 32461654), and has been reported in ClinVar (Variation ID 651992). In silico tools suggest the impact of the variant on protein function is deleterious, though these predictions have not been confirmed by functional studies. The evidence is insufficient to meet ACMG/AMP criteria for classifying the variant as benign or pathogenic. Thus, the clinical significance of this variant is currently uncertain.